The following is an entry in ClinVar:

NM_032383.5(HPS3):c.2578del (p.Ser860fs)

Genes: CP (ceruloplasmin; minus strand), HPS3 (HPS3 biogenesis of lysosomal organelles complex 2 subunit 1; plus strand). Cytogenetic location: 3q24.
Variant type: Deletion.
Coding change: c.2578del on transcript NM_032383.5 (MANE Select); coding-DNA position 2578, one base deleted (T; older notation c.2578delT).
Protein change: p.Ser860fs; shifts the reading frame from serine 860.
Molecular consequence: frameshift variant.
Genome position (GRCh38, 1-based): chr3:149,163,938, T deleted; the last of 3 consecutive T bases (chr3:149,163,936-149,163,938); deleting any one gives the same sequence. VCF-style (leftmost placement, unchanged base first): chr3-149163935-CT-C. GRCh37 (hg19) VCF-style: chr3-148881722-CT-C.
Other names: c.2083del, p.Ser695fs (NM_001308258.2); short protein forms S695fs, S860fs.
Identifiers: ClinVar variation 2110333 (VCV002110333.4), dbSNP rs2473128888, ClinGen allele CA2580069022.

ClinVar aggregate classification (germline): Pathogenic (1 of 4 stars; one submission).

Submission:

Labcorp Genetics (formerly Invitae), Labcorp
Classification: Pathogenic. Last evaluated: 2022-03-12. Review status: criteria provided, single submitter. Criteria: Invitae Variant Classification Sherloc (09022015). Collection method: clinical testing. Allele origin: germline.
Comment: For these reasons, this variant has been classified as Pathogenic. This sequence change creates a premature translational stop signal (p.Ser860Glnfs*14) in the HPS3 gene. It is expected to result in an absent or disrupted protein product. Loss-of-function variants in HPS3 are known to be pathogenic (PMID: 11590544). This variant is not present in population databases (gnomAD no frequency). This variant has not been reported in the literature in individuals affected with HPS3-related conditions.

Literature cited by the submitters: PubMed 11590544.